The following continues an entry in ClinVar:

NM_000552.5(VWF):c.4196G>A (p.Arg1399His)

Gene: VWF. ClinVar aggregate classification (germline): Uncertain significance. Uncertain significance (1).

Submissions 7 to 16 of 16:

Quest Diagnostics Nichols Institute San Juan Capistrano
Classification: Uncertain significance. Last evaluated: 2025-05-05. Review status: criteria provided, single submitter. Criteria: Quest Diagnostics criteria. Collection method: clinical testing. Allele origin: unknown. Not counted in ClinVar's aggregate classification.
Comment: The VWF c.4196G>A (p.Arg1399His) variant has been reported in individuals with Type 1 (PMID: 25662333 (2015), 22507569 (2012)), Type 2 (PMID: 33556167 (2021)), Type 2B (PMID: 1672694 (1991)), and Type 2M (PMID: 28971901 (2017)) von Willebrand disease. This variant has also been identified in individuals with hemophilia (PMID: 34708896 (2021)) and thrombotic/platelet disorders (PMID: 31064749 (2019)). Additionally, this variant has been observed in reportedly unaffected individuals (PMID: 33556167 (2021), 25662333 (2015), 22507569 (2012), 1672694 (1991)). Functional studies indicate this variant causes reduced platelet adhesion and binding to type IV and VI collagen, however binding to type I and type III collagen is unaffected (PMID: 30565388 (2019), 25662333 (2015), 22507569 (2012)). The frequency of this variant in the general population (Genome Aggregation Database) is higher than would generally be expected for pathogenic variants in this gene. Analysis of this variant using bioinformatics tools for the prediction of the effect of amino acid changes on protein structure and function yielded conflicting predictions that this variant is benign or damaging. Based on the available information, we are unable to determine the clinical significance of this variant.

ARUP Laboratories, Molecular Genetics and Genomics, ARUP Laboratories
Classification: Benign. Last evaluated: 2025-04-18. Review status: criteria provided, single submitter. Criteria: ARUP Molecular Germline Variant Investigation Process 2024. Collection method: clinical testing. Allele origin: germline. Not counted in ClinVar's aggregate classification.

Revvity Omics, Revvity
Classification: Uncertain significance. Last evaluated: 2024-08-14. Review status: criteria provided, single submitter. Criteria: ACMG Guidelines, 2015. Collection method: clinical testing. Allele origin: germline. Not counted in ClinVar's aggregate classification.

Institute of Immunology and Genetics Kaiserslautern
Classification: Uncertain significance for von Willebrand disease type 1. Last evaluated: 2023-04-27. Review status: criteria provided, single submitter. Criteria: ACMG Guidelines, 2015. Collection method: clinical testing. Allele origin: germline. Affected: yes. Not counted in ClinVar's aggregate classification.
Comment: ACMG Criteria: BS1, BS2, PS3, PM5, PP3, PP5; Variant found in a heterozygous state

Department of Pathology and Laboratory Medicine, Sinai Health System
Classification: Uncertain significance for von Willebrand disease type 1; von Willebrand disease type 3. Last evaluated: 2023-04-17. Review status: criteria provided, single submitter. Criteria: ACMG Guidelines, 2015. Collection method: research. Allele origin: germline. Not counted in ClinVar's aggregate classification.

Genetics and Molecular Pathology, SA Pathology
Classification: Uncertain significance for von Willebrand disease type 2. Last evaluated: 2022-11-17. Review status: criteria provided, single submitter. Criteria: ACMG Guidelines, 2015. Collection method: clinical testing. Allele origin: germline. Affected: yes. Not counted in ClinVar's aggregate classification.

NIHR Bioresource Rare Diseases, University of Cambridge
Classification: Likely pathogenic for Abnormality of coagulation. Last evaluated: 2019-02-01. Review status: criteria provided, single submitter. Criteria: ACMG Guidelines, 2015. Collection method: research. Allele origin: unknown. Affected: yes. Observed: 3 heterozygotes. Study: ThromboGenomics. Not counted in ClinVar's aggregate classification.

Laboratory of Genetic Engineering, National Medical Research Center for Hematology
Classification: Likely benign for von Willebrand disease type 1. Last evaluated: 2020-01-01. Review status: no assertion criteria provided. Collection method: research. Allele origin: unknown. Affected: yes. Observed: 1 heterozygote. Not counted in ClinVar's aggregate classification.
Comment: This likely benign (according to literature) variant occurred in combination with p. Pro2527His CCC>CAC.

OMIM
Classification: Benign for VWF POLYMORPHISM. Last evaluated: 2010-05-01. Review status: no assertion criteria provided. Collection method: literature only. Allele origin: germline. Not counted in ClinVar's aggregate classification.

ISTH-SSC Genomics in Thrombosis and Hemostasis, KU Leuven, Center for Molecular and Vascular Biology
Classification: Pathogenic for von Willebrand disorder. Review status: flagged submission. Collection method: research. Allele origin: unknown. Affected: yes. Not counted in ClinVar's aggregate classification.
Comment: Submitted to GoldVariant by Dr Karyn Mégy from NIHR Bioresource - Cambridge University, UK
ClinVar note: Reason: Outlier claim with insufficient supporting evidence

Literature cited by the submitters: PubMed 1672694 (cited by 3 submitters); PubMed 22507569 (cited by 3 submitters); PubMed 25662333 (cited by 3 submitters); PubMed 28083987 (cited by Mayo Clinic Laboratories, Mayo Clinic); PubMed 28971901 (cited by 3 submitters); PubMed 30565388 (cited by 3 submitters); PubMed 33556167 (cited by 3 submitters); PubMed 34136746 (cited by Mayo Clinic Laboratories, Mayo Clinic); PubMed 37872709 (cited by Mayo Clinic Laboratories, Mayo Clinic and Quest Diagnostics Nichols Institute San Juan Capistrano); PubMed 30690834 (cited by Women's Health and Genetics/Laboratory Corporation of America, LabCorp and Quest Diagnostics Nichols Institute San Juan Capistrano); PubMed 31064749 (cited by Quest Diagnostics Nichols Institute San Juan Capistrano and NIHR Bioresource Rare Diseases, University of Cambridge); PubMed 34708896 (cited by Quest Diagnostics Nichols Institute San Juan Capistrano); PubMed 29924855 (cited by Quest Diagnostics Nichols Institute San Juan Capistrano); PubMed 30046704 (cited by Quest Diagnostics Nichols Institute San Juan Capistrano); PubMed 8456432 (cited by Quest Diagnostics Nichols Institute San Juan Capistrano); PubMed 27913545 (cited by Quest Diagnostics Nichols Institute San Juan Capistrano); PubMed 20409624 (cited by OMIM).